The following is an entry in ClinVar:

ClinVar aggregate classification (germline): Uncertain significance (1 of 4 stars; one submission).

Conditions:
Inborn genetic diseases. Identifiers: MedGen C0950123, MeSH D030342.

gnomAD v4.1: 18 of 1,477,126 alleles (0.0012%); highest among the groups gnomAD compares: Non-Finnish European, 0.0016%; no homozygotes.

Submission:

Ambry Genetics
Classification: Uncertain significance for Inborn genetic diseases. Last evaluated: 2025-12-22. Review status: criteria provided, single submitter. Criteria: Ambry Variant Classification Scheme 2023. Collection method: clinical testing. Allele origin: germline.
Comment: The c.836C>A (p.A279E) alteration is located in exon 2 (coding exon 1) of the NEUROD2 gene. This alteration results from a C to A substitution at nucleotide position 836, causing the alanine (A) at amino acid position 279 to be replaced by a glutamic acid (E). Based on data from gnomAD, the A allele has an overall frequency of 0.003% (3/117124) total alleles studied. The highest observed frequency was 0.006% (3/54756) of European (non-Finnish) alleles. Based on insufficient or conflicting evidence, the clinical significance of this alteration remains unclear.

NM_006160.4(NEUROD2):c.836C>A (p.Ala279Glu)

Gene: NEUROD2 (neuronal differentiation 2; minus strand). Cytogenetic location: 17q12.
Variant type: single nucleotide variant.
Coding change: c.836C>A on transcript NM_006160.4 (MANE Select); coding-DNA position 836, C replaced by A.
Protein change: p.Ala279Glu; replaces alanine 279 with glutamic acid.
Molecular consequence: missense variant.
Genome position (GRCh38, 1-based): chr17:39,605,764, G>T on the plus strand (C>A on the coding strand, the complement: NEUROD2 is on the minus strand). VCF-style: chr17-39605764-G-T. GRCh37 (hg19) VCF-style: chr17-37762017-G-T.
Other names: short protein forms A279E.
Identifiers: ClinVar variation 4829027 (VCV004829027.1).
Genomic context (GRCh38, chr17:39,605,764, plus strand): 5'-AGCGGGCCCTCGTACTCGGAGCTGTTGTAGTCCGGGCTCGCGCCGCCACCGCCTGCCGCC[G>T]CATACAGCGTCTCGTAGGCGGCGCAGTAGCCGTGGGTCCGCAGGGCGTGCGCCGCGCCGC-3'
Protein context (NP_006151.3, residues 269-289): GYCAAYETLY[Ala279Glu]AAGGGGASPD